The following is an entry in ClinVar:

ClinVar aggregate classification (germline): Uncertain significance (1 of 4 stars; one submission).

Conditions:
Cardiovascular phenotype. Identifiers: MedGen CN230736.

gnomAD v4.1: 2 of 1,614,088 alleles (0.00012%); highest among the groups gnomAD compares: African/African-American, 0.0027%; no homozygotes.

Submission:

Ambry Genetics
Classification: Uncertain significance for Cardiovascular phenotype. Last evaluated: 2023-10-02. Review status: criteria provided, single submitter. Criteria: Ambry Variant Classification Scheme 2023. Collection method: clinical testing. Allele origin: germline.
Comment: The p.G59D variant (also known as c.176G>A), located in coding exon 2 of the APOA1 gene, results from a G to A substitution at nucleotide position 176. The glycine at codon 59 is replaced by aspartic acid, an amino acid with similar properties. This amino acid position is conserved. In addition, this alteration is predicted to be tolerated by in silico analysis. Since supporting evidence is limited at this time, the clinical significance of this alteration remains unclear.

NM_000039.3(APOA1):c.176G>A (p.Gly59Asp)

Genes: APOA1 (apolipoprotein A1; minus strand), APOA1-AS (APOA1 antisense RNA; plus strand). Cytogenetic location: 11q23.3.
Variant type: single nucleotide variant.
Coding change: c.176G>A on transcript NM_000039.3 (MANE Select); coding-DNA position 176, G replaced by A.
Protein change: p.Gly59Asp; replaces glycine 59 with aspartic acid.
Molecular consequence: missense variant.
Genome position (GRCh38, 1-based): chr11:116,837,025, C>T on the plus strand (G>A on the coding strand, the complement: APOA1 is on the minus strand). VCF-style: chr11-116837025-C-T. GRCh37 (hg19) VCF-style: chr11-116707741-C-T.
Other names: c.176G>A, p.Gly59Asp (NM_001318017.2, NM_001318018.2, NM_001425090.1 and 1 more transcripts); c.-152G>A (NM_001318021.2, NM_001425092.1); short protein forms G59D.
Identifiers: ClinVar variation 3231907 (VCV003231907.1), dbSNP rs775559386, ClinGen allele CA382718470.
Genomic context (GRCh38, chr11:116,837,025, plus strand): 5'-CCTACCCCTGCCCTCAACCCCAGGCTGGGTCCTTACTTTAGCTGTTTTCCCAAGGCGGAG[C>T]CTTCAAACTGGGACACATAGTCTCTGCCGCTGTCTTTGAGCACATCCACGTACACAGTGG-3'
Protein context (NP_000030.1, residues 49-69): SGRDYVSQFE[Gly59Asp]SALGKQLNLK